The following is an entry in ClinVar:

NM_000188.3(HK1):c.1034A>C (p.Asn345Thr)

Gene: HK1 (hexokinase 1; plus strand). Cytogenetic location: 10q22.1.
Variant type: single nucleotide variant.
Coding change: c.1034A>C on transcript NM_000188.3 (MANE Select); coding-DNA position 1034, A replaced by C.
Protein change: p.Asn345Thr; replaces asparagine 345 with threonine.
Molecular consequence: missense variant.
Genome position (GRCh38, 1-based): chr10:69,379,864, A>C. VCF-style: chr10-69379864-A-C. GRCh37 (hg19) VCF-style: chr10-71139620-A-C.
Other names: c.1046A>C, p.Asn349Thr (NM_001322364.2, NM_001358263.1, NM_033497.3 and 1 more transcripts); c.1139A>C, p.Asn380Thr (NM_001322365.2); c.950A>C, p.Asn317Thr (NM_001322366.1); c.938A>C, p.Asn313Thr (NM_001322367.1); c.1031A>C, p.Asn344Thr (NM_033496.3); c.998A>C, p.Asn333Thr (NM_033500.2); short protein forms N333T, N345T, N380T, N313T, N317T, N344T, N349T.
Identifiers: ClinVar variation 1502633 (VCV001502633.6), dbSNP rs2132870221, ClinGen allele CA376917076.

ClinVar aggregate classification (germline): Uncertain significance (1 of 4 stars; one submission).

Submission:

Labcorp Genetics (formerly Invitae), Labcorp
Classification: Uncertain significance. Last evaluated: 2025-01-20. Review status: criteria provided, single submitter. Criteria: Invitae Variant Classification Sherloc (09022015). Collection method: clinical testing. Allele origin: germline.
Comment: This sequence change replaces asparagine, which is neutral and polar, with threonine, which is neutral and polar, at codon 345 of the HK1 protein (p.Asn345Thr). This variant is not present in population databases (gnomAD no frequency). This variant has not been reported in the literature in individuals affected with HK1-related conditions. ClinVar contains an entry for this variant (Variation ID: 1502633). An algorithm developed to predict the effect of missense changes on protein structure and function outputs the following: PolyPhen-2: "Benign". The threonine amino acid residue is found in multiple mammalian species, which suggests that this missense change does not adversely affect protein function. In summary, the available evidence is currently insufficient to determine the role of this variant in disease. Therefore, it has been classified as a Variant of Uncertain Significance.